The following is an entry in ClinVar:

NM_000443.4(ABCB4):c.3289G>A (p.Gly1097Ser)

Gene: ABCB4 (ATP binding cassette subfamily B member 4; minus strand). Cytogenetic location: 7q21.12.
Variant type: single nucleotide variant.
Coding change: c.3289G>A on transcript NM_000443.4 (MANE Select); coding-DNA position 3289, G replaced by A.
Protein change: p.Gly1097Ser; replaces glycine 1097 with serine.
Molecular consequence: missense variant.
Genome position (GRCh38, 1-based): chr7:87,406,485, C>T on the plus strand (G>A on the coding strand, the complement: ABCB4 is on the minus strand). VCF-style: chr7-87406485-C-T. GRCh37 (hg19) VCF-style: chr7-87035801-C-T.
Other names: c.3310G>A, p.Gly1104Ser (NM_018849.3); c.3148G>A, p.Gly1050Ser (NM_018850.3); short protein forms G1050S, G1097S, G1104S.
Identifiers: ClinVar variation 4797150 (VCV004797150.1).

ClinVar aggregate classification (germline): Uncertain significance (1 of 4 stars; one submission).

gnomAD v4.1: 1 of 1,613,518 alleles (0.000062%); highest among the groups gnomAD compares: Non-Finnish European, 0.000085%; no homozygotes.

Submission:

Labcorp Genetics (formerly Invitae), Labcorp
Classification: Uncertain significance. Last evaluated: 2025-06-26. Review status: criteria provided, single submitter. Criteria: Invitae Variant Classification Sherloc (09022015). Collection method: clinical testing. Allele origin: germline.
Comment: This sequence change replaces glycine, which is neutral and non-polar, with serine, which is neutral and polar, at codon 1097 of the ABCB4 protein (p.Gly1097Ser). This variant is not present in population databases (gnomAD no frequency). This variant has not been reported in the literature in individuals affected with ABCB4-related conditions. Invitae Evidence Modeling of protein sequence and biophysical properties (such as structural, functional, and spatial information, amino acid conservation, physicochemical variation, residue mobility, and thermodynamic stability) indicates that this missense variant is not expected to disrupt ABCB4 protein function with a negative predictive value of 80%. In summary, the available evidence is currently insufficient to determine the role of this variant in disease. Therefore, it has been classified as a Variant of Uncertain Significance.